The following is an entry in ClinVar:

ClinVar aggregate classification (germline): Uncertain significance (1 of 4 stars; one submission).

Conditions:
Amyotrophic lateral sclerosis type 15. Also called: AMYOTROPHIC LATERAL SCLEROSIS 15 WITH FRONTOTEMPORAL DEMENTIA. Identifiers: Orphanet 803, MedGen C3275459, MONDO:0010459, OMIM 300857.

Allele frequency attached by ClinVar (database versions not stated): gnomAD exomes below 0.00001.

Submission:

Labcorp Genetics (formerly Invitae), Labcorp
Classification: Uncertain significance for Amyotrophic lateral sclerosis type 15. Last evaluated: 2021-04-14. Review status: criteria provided, single submitter. Criteria: Invitae Variant Classification Sherloc (09022015). Collection method: clinical testing. Allele origin: germline.
Comment: The frequency data for this variant in the population databases is considered unreliable, as metrics indicate insufficient coverage at this position in the ExAC database. This sequence change replaces alanine with valine at codon 19 of the UBQLN2 protein (p.Ala19Val). The alanine residue is weakly conserved and there is a small physicochemical difference between alanine and valine. This variant has not been reported in the literature in individuals with UBQLN2-related conditions. Experimental studies and prediction algorithms are not available or were not evaluated, and the functional significance of this variant is currently unknown. In summary, the available evidence is currently insufficient to determine the role of this variant in disease. Therefore, it has been classified as a Variant of Uncertain Significance.

NM_013444.4(UBQLN2):c.56C>T (p.Ala19Val)

Gene: UBQLN2 (ubiquilin 2; plus strand). Cytogenetic location: Xp11.21.
Variant type: single nucleotide variant.
Coding change: c.56C>T on transcript NM_013444.4 (MANE Select); coding-DNA position 56, C replaced by T.
Protein change: p.Ala19Val; replaces alanine 19 with valine.
Molecular consequence: missense variant.
Genome position (GRCh38, 1-based): chrX:56,563,929, C>T. VCF-style: chrX-56563929-C-T. GRCh37 (hg19) VCF-style: chrX-56590362-C-T.
Other names: short protein forms A19V.
Identifiers: ClinVar variation 1433104 (VCV001433104.6), dbSNP rs2146635566, ClinGen allele CA413377473.